The following is an entry in ClinVar:

NM_024577.4(SH3TC2):c.3768G>T (p.Arg1256Ser)

Gene: SH3TC2 (SH3 domain and tetratricopeptide repeats 2; minus strand). Cytogenetic location: 5q32.
Variant type: single nucleotide variant.
Coding change: c.3768G>T on transcript NM_024577.4 (MANE Select); coding-DNA position 3768, G replaced by T.
Protein change: p.Arg1256Ser; replaces arginine 1256 with serine.
Molecular consequence: missense variant.
Genome position (GRCh38, 1-based): chr5:149,004,810, C>A on the plus strand (G>T on the coding strand, the complement: SH3TC2 is on the minus strand). VCF-style: chr5-149004810-C-A. GRCh37 (hg19) VCF-style: chr5-148384373-C-A.
Other names: short protein forms R1256S.
Identifiers: ClinVar variation 2085834 (VCV002085834.4), dbSNP rs1184182861, ClinGen allele CA361663458.

ClinVar aggregate classification (germline): Uncertain significance (1 of 4 stars; one submission).

Conditions:
Charcot-Marie-Tooth disease type 4. Also called: Charcot-Marie-Tooth, Type 4; Charcot-Marie-Tooth disease, type IV. Identifiers: Orphanet 64749, MedGen C4082197, MONDO:0018995.

Submission:

Labcorp Genetics (formerly Invitae), Labcorp
Classification: Uncertain significance for Charcot-Marie-Tooth disease type 4. Last evaluated: 2022-02-24. Review status: criteria provided, single submitter. Criteria: Invitae Variant Classification Sherloc (09022015). Collection method: clinical testing. Allele origin: germline.
Comment: In summary, the available evidence is currently insufficient to determine the role of this variant in disease. Therefore, it has been classified as a Variant of Uncertain Significance. Advanced modeling of protein sequence and biophysical properties (such as structural, functional, and spatial information, amino acid conservation, physicochemical variation, residue mobility, and thermodynamic stability) performed at Invitae indicates that this missense variant is not expected to disrupt SH3TC2 protein function. This variant has not been reported in the literature in individuals affected with SH3TC2-related conditions. This variant is not present in population databases (gnomAD no frequency). This sequence change replaces arginine, which is basic and polar, with serine, which is neutral and polar, at codon 1256 of the SH3TC2 protein (p.Arg1256Ser).